The following is an entry in ClinVar:

ClinVar aggregate classification (germline): Pathogenic (1 of 4 stars; one submission).

Conditions:
Multiple congenital exostosis (EXT). Also called: MULTIPLE CARTILAGINOUS EXOSTOSES; Multiple exostoses; Hereditary multiple exostoses; Hereditary multiple exostosis; Multiple osteochondromas; Hereditary multiple osteochondromas. Identifiers: Orphanet 321, MedGen C0015306, MONDO:0005508, HP:0002762.

Submission:

Labcorp Genetics (formerly Invitae), Labcorp
Classification: Pathogenic for Multiple congenital exostosis. Last evaluated: 2019-08-13. Review status: criteria provided, single submitter. Criteria: Invitae Variant Classification Sherloc (09022015). Collection method: clinical testing. Allele origin: germline.
Comment: This variant disrupts the C-terminus of the EXT1 protein. Other variant(s) that disrupt this region (p.Trp711*) have been determined to be pathogenic (PMID: 29620724, Invitae). This suggests that variants that disrupt this region of the protein are likely to be causative of disease. This sequence change results in a premature translational stop signal in the EXT1 gene (p.Gln677*). While this is not anticipated to result in nonsense mediated decay, it is expected to disrupt the last 70 amino acids of the EXT1 protein. This variant is not present in population databases (ExAC no frequency). This variant has been observed in individuals with multiple osteochondromas (PMID: 16283885, Invitae). For these reasons, this variant has been classified as Pathogenic.

Literature cited by the submitters: PubMed 29620724; PubMed 16283885.

NM_000127.3(EXT1):c.2029C>T (p.Gln677Ter)

Gene: EXT1 (exostosin glycosyltransferase 1; minus strand). Cytogenetic location: 8q24.11.
Variant type: single nucleotide variant.
Coding change: c.2029C>T on transcript NM_000127.3 (MANE Select); coding-DNA position 2029, C replaced by T.
Protein change: p.Gln677Ter; replaces glutamine 677 with a stop codon.
Molecular consequence: nonsense.
Genome position (GRCh38, 1-based): chr8:117,804,748, G>A on the plus strand (C>T on the coding strand, the complement: EXT1 is on the minus strand). VCF-style: chr8-117804748-G-A. GRCh37 (hg19) VCF-style: chr8-118816987-G-A.
Other names: short protein forms Q677*.
Identifiers: ClinVar variation 949553 (VCV000949553.9), dbSNP rs1823212774, ClinGen allele CA371876870.